The following is an entry in ClinVar:

ClinVar aggregate classification (germline): Likely pathogenic (1 of 4 stars; one submission).

Conditions:
STAT3-related early-onset multisystem autoimmune disease. Also called: Autoimmune disease, multisystem, infantile-onset, 1. Identifiers: Orphanet 438159, MedGen C4014795, MONDO:0014414, OMIM 615952.

Submission:

Johns Hopkins Genomics, Johns Hopkins University
Classification: Likely pathogenic for STAT3-related early-onset multisystem autoimmune disease. Last evaluated: 2020-06-04. Review status: criteria provided, single submitter. Criteria: ACMG Guidelines, 2015. Collection method: clinical testing. Allele origin: germline.
Comment: This STAT3 variant is absent from a large population dataset and has an entry in ClinVar. It has been reported in two unrelated patients with autosomal dominant infantile-onset multisystem autoimmune disease-1. Independent functional studies have shown that the p.Lys658Asn substitution confers hypersensitivity to interleukins resulting in persistent activation of STAT3 signaling in vitro. This variant is not predicted to affect normal exon 21 splicing, although this has not been confirmed experimentally to our knowledge. We consider c.1974G>T to be likely pathogenic.

Literature cited by the submitters: PubMed 25038750; PubMed 25349174; PubMed 25359994; PubMed 27345172; PubMed 28072956.

NM_139276.3(STAT3):c.1974G>T (p.Lys658Asn)

Gene: STAT3 (signal transducer and activator of transcription 3; minus strand). Cytogenetic location: 17q21.2.
Variant type: single nucleotide variant.
Coding change: c.1974G>T on transcript NM_139276.3 (MANE Select); coding-DNA position 1974, G replaced by T.
Protein change: p.Lys658Asn; replaces lysine 658 with asparagine.
Molecular consequence: missense variant.
Genome position (GRCh38, 1-based): chr17:42,322,409, C>A on the plus strand (G>T on the coding strand, the complement: STAT3 is on the minus strand). VCF-style: chr17-42322409-C-A. GRCh37 (hg19) VCF-style: chr17-40474427-C-A.
Other names: c.1974G>T, p.Lys658Asn (NM_001369512.1, NM_001369513.1, NM_001369514.1 and 7 more transcripts); short protein forms K658N.
Identifiers: ClinVar variation 977089 (VCV000977089.1), dbSNP rs587777650, ClinGen allele CA399581949.